The following is an entry in ClinVar:

ClinVar aggregate classification (germline): Uncertain significance (1 of 4 stars; one submission).

gnomAD v4.1: 2 of 1,200,265 alleles (0.00017%); highest among the groups gnomAD compares: Non-Finnish European, 0.00023%; no homozygotes.

Submission:

GeneDx
Classification: Uncertain significance. Last evaluated: 2026-03-18. Review status: criteria provided, single submitter. Criteria: GeneDx Variant Classification Process June 2021. Collection method: clinical testing. Allele origin: germline.
Comment: Not observed at significant frequency in large population cohorts (gnomAD); In silico analysis suggests that this missense variant does not alter protein structure/function; Has not been previously published as pathogenic or benign to our knowledge

NM_001079872.2(CUL4B):c.755C>T (p.Ala252Val)

Gene: CUL4B (cullin 4B; minus strand). Cytogenetic location: Xq24.
Variant type: single nucleotide variant.
Coding change: c.755C>T on transcript NM_001079872.2 (MANE Select); coding-DNA position 755, C replaced by T.
Protein change: p.Ala252Val; replaces alanine 252 with valine.
Molecular consequence: missense variant.
Genome position (GRCh38, 1-based): chrX:120,547,157, G>A on the plus strand (C>T on the coding strand, the complement: CUL4B is on the minus strand). VCF-style: chrX-120547157-G-A. GRCh37 (hg19) VCF-style: chrX-119681012-G-A.
Other names: c.770C>T, p.Ala257Val (NM_001330624.2); c.221C>T, p.Ala74Val (NM_001369145.1); c.809C>T, p.Ala270Val (NM_003588.4); short protein forms A252V, A257V, A270V, A74V.
Identifiers: ClinVar variation 5009407 (VCV005009407.1).